The following is an entry in ClinVar:

NM_207361.6(FREM2):c.6112T>A (p.Ser2038Thr)

Gene: FREM2 (FRAS1 related extracellular matrix 2; plus strand). Cytogenetic location: 13q13.3.
Variant type: single nucleotide variant.
Coding change: c.6112T>A on transcript NM_207361.6 (MANE Select); coding-DNA position 6112, T replaced by A.
Protein change: p.Ser2038Thr; replaces serine 2038 with threonine.
Molecular consequence: missense variant.
Genome position (GRCh38, 1-based): chr13:38,846,665, T>A. VCF-style: chr13-38846665-T-A. GRCh37 (hg19) VCF-style: chr13-39420802-T-A.
Other names: short protein forms S2038T.
Identifiers: ClinVar variation 1953224 (VCV001953224.5), dbSNP rs2541485468, ClinGen allele CA387895128.

ClinVar aggregate classification (germline): Uncertain significance (1 of 4 stars; one submission).

Submission:

Labcorp Genetics (formerly Invitae), Labcorp
Classification: Uncertain significance. Last evaluated: 2022-02-28. Review status: criteria provided, single submitter. Criteria: Invitae Variant Classification Sherloc (09022015). Collection method: clinical testing. Allele origin: germline.
Comment: This sequence change replaces serine, which is neutral and polar, with threonine, which is neutral and polar, at codon 2038 of the FREM2 protein (p.Ser2038Thr). In summary, the available evidence is currently insufficient to determine the role of this variant in disease. Therefore, it has been classified as a Variant of Uncertain Significance. Algorithms developed to predict the effect of missense changes on protein structure and function (SIFT, PolyPhen-2, Align-GVGD) all suggest that this variant is likely to be tolerated. This variant has not been reported in the literature in individuals affected with FREM2-related conditions. This variant is not present in population databases (gnomAD no frequency).